The following is an entry in ClinVar:

ClinVar aggregate classification (germline): Likely pathogenic (1 of 4 stars; one submission).

Submission:

Laboratorio de Genetica e Diagnostico Molecular, Hospital Israelita Albert Einstein
Classification: Likely pathogenic. Last evaluated: 2022-02-03. Review status: criteria provided, single submitter. Criteria: ACMG Guidelines, 2015. Collection method: clinical testing. Allele origin: germline. Affected: yes.
Comment: ACMG classification criteria: PVS1, PM2

NM_001081.4(CUBN):c.5548del (p.Ile1850fs)

Gene: CUBN (cubilin; minus strand). Cytogenetic location: 10p13.
Variant type: Deletion.
Coding change: c.5548del on transcript NM_001081.4 (MANE Select); coding-DNA position 5548, one base deleted (A; older notation c.5548delA).
Protein change: p.Ile1850fs; shifts the reading frame from isoleucine 1850.
Molecular consequence: frameshift variant.
Genome position (GRCh38, 1-based): chr10:16,940,032, T deleted on the plus strand (A on the coding strand, the reverse complement: CUBN is on the minus strand). VCF-style (leftmost placement, unchanged base first): chr10-16940031-CT-C. GRCh37 (hg19) VCF-style: chr10-16982030-CT-C.
Other names: c.5548delA (NM_001081.4); short protein forms I1850fs.
Identifiers: ClinVar variation 1690561 (VCV001690561.2), dbSNP rs2131606542, ClinGen allele CA2573144973.